The following is an entry in ClinVar:

ClinVar aggregate classification (germline): Uncertain significance. Review status: criteria provided, multiple submitters, no conflicts (2 of 4 stars). 2 submissions from 2 submitters: Uncertain significance (2). Last evaluated 2026-02-18.

Conditions:
Hereditary cancer-predisposing syndrome. Also called: Neoplastic Syndromes, Hereditary; Tumor predisposition; Hereditary neoplastic syndrome; Hereditary Cancer Syndrome. Identifiers: Orphanet 140162, MedGen C0027672, MeSH D009386, MONDO:0015356.

Submissions (2):

Ambry Genetics
Classification: Uncertain significance for Hereditary cancer-predisposing syndrome. Last evaluated: 2026-02-18. Review status: criteria provided, single submitter. Criteria: Ambry Variant Classification Scheme 2023. Collection method: clinical testing. Allele origin: germline.
Comment: The c.285G>A variant (also known as p.K95K), located in coding exon 3 of the POLE gene, results from a G to A substitution at nucleotide position 285. This nucleotide substitution does not change the lysine at codon 95. However, this change occurs in the last base pair of coding exon 3, which makes it likely to have some effect on normal mRNA splicing. This nucleotide position is highly conserved in available vertebrate species. In silico splice site analysis predicts that this alteration may weaken the native splice donor site. Based on the available evidence, the clinical significance of this variant remains unclear.

Labcorp Genetics (formerly Invitae), Labcorp
Classification: Uncertain significance. Last evaluated: 2026-02-01. Review status: criteria provided, single submitter. Criteria: Invitae Variant Classification Sherloc (09022015). Collection method: clinical testing. Allele origin: germline.
Comment: This sequence change affects codon 95 of the POLE mRNA. It is a 'silent' change, meaning that it does not change the encoded amino acid sequence of the POLE protein. This variant also falls at the last nucleotide of exon 3, which is part of the consensus splice site for this exon. This variant is not present in population databases (gnomAD no frequency). This variant has not been reported in the literature in individuals affected with POLE-related conditions. ClinVar contains an entry for this variant (Variation ID: 405647). Variants that disrupt the consensus splice site are a relatively common cause of aberrant splicing (PMID: 17576681, 9536098). Algorithms developed to predict the effect of sequence changes on RNA splicing suggest that this variant may disrupt the consensus splice site. In summary, the available evidence is currently insufficient to determine the role of this variant in disease. Therefore, it has been classified as a Variant of Uncertain Significance.

Literature cited by the submitters: PubMed 17576681 (cited by Labcorp Genetics (formerly Invitae), Labcorp); PubMed 9536098 (cited by Labcorp Genetics (formerly Invitae), Labcorp).

NM_006231.4(POLE):c.285G>A (p.Lys95=)

Gene: POLE (DNA polymerase epsilon, catalytic subunit; minus strand). Cytogenetic location: 12q24.33.
Variant type: single nucleotide variant.
Coding change: c.285G>A on transcript NM_006231.4 (MANE Select); coding-DNA position 285, G replaced by A.
Protein change: p.Lys95=; no amino-acid change (lysine 95 retained).
Molecular consequence: synonymous variant.
Genome position (GRCh38, 1-based): chr12:132,680,607, C>T on the plus strand (G>A on the coding strand, the complement: POLE is on the minus strand). VCF-style: chr12-132680607-C-T. GRCh37 (hg19) VCF-style: chr12-133257193-C-T.
Identifiers: ClinVar variation 405647 (VCV000405647.14), dbSNP rs1060500794, ClinGen allele CA16613927.